The following is an entry in ClinVar:

ClinVar aggregate classification (germline): Uncertain significance. Review status: criteria provided, multiple submitters, no conflicts (2 of 4 stars). 2 submissions from 2 submitters: Uncertain significance (2). Last evaluated 2024-11-27.

Conditions:
Cardiovascular phenotype. Identifiers: MedGen CN230736.
Dilated cardiomyopathy 1JJ (CMD1JJ). Identifiers: Orphanet 154, MedGen C3808935, MONDO:0014095, OMIM 615235.

Allele frequency attached by ClinVar (database versions not stated): 1000 Genomes Project 30x 0.00016.
gnomAD v4.1: 16 of 1,613,838 alleles (0.00099%); highest among the groups gnomAD compares: East Asian, 0.033%; no homozygotes.

Submissions (2):

Ambry Genetics
Classification: Uncertain significance for Cardiovascular phenotype. Last evaluated: 2024-11-27. Review status: criteria provided, single submitter. Criteria: Ambry Variant Classification Scheme 2023. Collection method: clinical testing. Allele origin: germline.
Comment: The p.R103G variant (also known as c.307C>G), located in coding exon 3 of the LAMA4 gene, results from a C to G substitution at nucleotide position 307. The arginine at codon 103 is replaced by glycine, an amino acid with dissimilar properties. This amino acid position is well conserved in available vertebrate species. In addition, the in silico prediction for this alteration is inconclusive. The evidence for this gene-disease relationship is limited; therefore, the clinical significance of this alteration is unclear.

Labcorp Genetics (formerly Invitae), Labcorp
Classification: Uncertain significance for Dilated cardiomyopathy 1JJ. Last evaluated: 2022-09-21. Review status: criteria provided, single submitter. Criteria: Invitae Variant Classification Sherloc (09022015). Collection method: clinical testing. Allele origin: germline.
Comment: In summary, the available evidence is currently insufficient to determine the role of this variant in disease. Therefore, it has been classified as a Variant of Uncertain Significance. Algorithms developed to predict the effect of missense changes on protein structure and function are either unavailable or do not agree on the potential impact of this missense change (SIFT: "Deleterious"; PolyPhen-2: "Possibly Damaging"; Align-GVGD: "Class C0"). ClinVar contains an entry for this variant (Variation ID: 1061564). This missense change has been observed in individual(s) with dilated cardiomyopathy (PMID: 31983221). This variant is present in population databases (rs138176093, gnomAD 0.06%), and has an allele count higher than expected for a pathogenic variant. This sequence change replaces arginine, which is basic and polar, with glycine, which is neutral and non-polar, at codon 103 of the LAMA4 protein (p.Arg103Gly).

Literature cited by the submitters: PubMed 31983221 (cited by Labcorp Genetics (formerly Invitae), Labcorp).

NM_001105206.3(LAMA4):c.307C>G (p.Arg103Gly)

Gene: LAMA4 (laminin subunit alpha 4; minus strand). Cytogenetic location: 6q21.
Variant type: single nucleotide variant.
Coding change: c.307C>G on transcript NM_001105206.3 (MANE Select); coding-DNA position 307, C replaced by G.
Protein change: p.Arg103Gly; replaces arginine 103 with glycine.
Molecular consequence: missense variant.
Genome position (GRCh38, 1-based): chr6:112,207,136, G>C on the plus strand (C>G on the coding strand, the complement: LAMA4 is on the minus strand). VCF-style: chr6-112207136-G-C. GRCh37 (hg19) VCF-style: chr6-112528337-G-C.
Other names: c.307C>G, p.Arg103Gly (NM_001105207.3, NM_002290.5); short protein forms R103G.
Identifiers: ClinVar variation 1061564 (VCV001061564.12), dbSNP rs138176093, ClinGen allele CA3966199.